The following is an entry in ClinVar:

NM_138420.4(AHNAK2):c.2970C>T (p.Asp990=)

Gene: AHNAK2 (AHNAK nucleoprotein 2; minus strand). Cytogenetic location: 14q32.33.
Variant type: single nucleotide variant.
Coding change: c.2970C>T on transcript NM_138420.4 (MANE Select); coding-DNA position 2970, C replaced by T.
Protein change: p.Asp990=; no amino-acid change (aspartic acid 990 retained).
Molecular consequence: synonymous variant.
Genome position (GRCh38, 1-based): chr14:104,952,481, G>A on the plus strand (C>T on the coding strand, the complement: AHNAK2 is on the minus strand). VCF-style: chr14-104952481-G-A. GRCh37 (hg19) VCF-style: chr14-105418818-G-A.
Other names: c.2670C>T, p.Asp890= (NM_001350929.2).
Identifiers: ClinVar variation 2644871 (VCV002644871.24), dbSNP rs372763281, ClinGen allele CA7383279.

ClinVar aggregate classification (germline): Likely benign (1 of 4 stars; one submission).

Allele frequency attached by ClinVar (database versions not stated): gnomAD exomes 0.00022; ESP Exome Variant Server 0.00064; 1000 Genomes Project 30x 0.00656.

Submission:

CeGaT Center for Human Genetics Tuebingen
Classification: Likely benign. Last evaluated: 2026-04-01. Review status: criteria provided, single submitter. Criteria: CeGaT Center For Human Genetics Tuebingen Variant Classification Criteria Version 2. Collection method: clinical testing. Allele origin: germline. Affected: yes. Observed: 2 variant alleles.
Comment: AHNAK2: BP4, BP7